The following is an entry in ClinVar:

NM_017668.3(NDE1):c.13G>A (p.Gly5Arg)

Gene: NDE1 (nudE neurodevelopment protein 1; plus strand). Cytogenetic location: 16p13.11.
Variant type: single nucleotide variant.
Coding change: c.13G>A on transcript NM_017668.3 (MANE Select); coding-DNA position 13, G replaced by A.
Protein change: p.Gly5Arg; replaces glycine 5 with arginine.
Molecular consequence: missense variant.
Genome position (GRCh38, 1-based): chr16:15,664,791, G>A. VCF-style: chr16-15664791-G-A. GRCh37 (hg19) VCF-style: chr16-15758648-G-A.
Other names: c.13G>A, p.Gly5Arg (NM_001143979.2); short protein forms G5R.
Identifiers: ClinVar variation 1350213 (VCV001350213.8), dbSNP rs536800933, ClinGen allele CA7920458.

ClinVar aggregate classification (germline): Uncertain significance (1 of 4 stars; one submission).

Allele frequency attached by ClinVar (database versions not stated): TOPMed below 0.00001; gnomAD 0.00001; ExAC 0.00002; gnomAD exomes 0.00002 and 0.00003; 1000 Genomes Project 30x 0.00016; 1000 Genomes Project 0.00020.
gnomAD v4.1: 28 of 1,612,916 alleles (0.0017%); highest among the groups gnomAD compares: Middle Eastern, 0.017%; no homozygotes.

Submission:

Labcorp Genetics (formerly Invitae), Labcorp
Classification: Uncertain significance. Last evaluated: 2021-06-24. Review status: criteria provided, single submitter. Criteria: Invitae Variant Classification Sherloc (09022015). Collection method: clinical testing. Allele origin: germline.
Comment: This sequence change replaces glycine with arginine at codon 5 of the NDE1 protein (p.Gly5Arg). The glycine residue is moderately conserved and there is a moderate physicochemical difference between glycine and arginine. This variant is present in population databases (rs536800933, ExAC 0.02%). This variant has not been reported in the literature in individuals with NDE1-related conditions. Algorithms developed to predict the effect of missense changes on protein structure and function (SIFT, PolyPhen-2, Align-GVGD) all suggest that this variant is likely to be tolerated, but these predictions have not been confirmed by published functional studies and their clinical significance is uncertain. In summary, the available evidence is currently insufficient to determine the role of this variant in disease. Therefore, it has been classified as a Variant of Uncertain Significance.